The following is an entry in ClinVar:

ClinVar aggregate classification (germline): Benign. Review status: criteria provided, multiple submitters, no conflicts (2 of 4 stars). 3 submissions from 3 submitters: Benign (2). 1 of the submissions does not count toward it. Last evaluated 2019-12-31.

Conditions:
BMS1-related disorder. Also called: BMS1-related condition.

Allele frequency attached by ClinVar (database versions not stated): ESP Exome Variant Server 0.00085; gnomAD exomes 0.01132 and 0.00351; gnomAD 0.00532; TOPMed 0.00740; ExAC 0.00966; 1000 Genomes Project 30x 0.01624; 1000 Genomes Project 0.01717.
gnomAD v4.1: 5,929 of 1,613,602 alleles (0.37%); highest among the groups gnomAD compares: East Asian, 5.9%; 121 homozygotes.

Submissions (3):

Labcorp Genetics (formerly Invitae), Labcorp
Classification: Benign. Last evaluated: 2019-12-31. Review status: criteria provided, single submitter. Criteria: Invitae Variant Classification Sherloc (09022015). Collection method: clinical testing. Allele origin: germline.

Breakthrough Genomics
Classification: Benign. Review status: criteria provided, single submitter. Criteria: ACMG Guidelines, 2015. Collection method: not provided. Allele origin: germline. Inheritance: Autosomal dominant inheritance. Affected: yes.

PreventionGenetics, part of Exact Sciences
Classification: Benign for BMS1-related condition. Last evaluated: 2019-10-31. Review status: no assertion criteria provided. Collection method: clinical testing. Allele origin: germline. Not counted in ClinVar's aggregate classification.
Comment: This variant is classified as benign based on ACMG/AMP sequence variant interpretation guidelines (Richards et al. 2015 PMID: 25741868, with internal and published modifications).

NM_014753.4(BMS1):c.710G>A (p.Arg237His)

Gene: BMS1 (BMS1 ribosome biogenesis factor; plus strand). Cytogenetic location: 10q11.21.
Variant type: single nucleotide variant.
Coding change: c.710G>A on transcript NM_014753.4 (MANE Select); coding-DNA position 710, G replaced by A.
Protein change: p.Arg237His; replaces arginine 237 with histidine.
Molecular consequence: missense variant.
Genome position (GRCh38, 1-based): chr10:42,791,700, G>A. VCF-style: chr10-42791700-G-A. GRCh37 (hg19) VCF-style: chr10-43287148-G-A.
Other names: short protein forms R237H.
Identifiers: ClinVar variation 782289 (VCV000782289.7), dbSNP rs2272881, ClinGen allele CA5475501.
Genomic context (GRCh38, chr10:42,791,700, plus strand): 5'-TCTACCTTTCTGGAATGGTGCATGGAGAATATCAAAACCAAGAAATCCACAATCTGGGCC[G>A]TTTTATTACAGTTATGAAGTTTAGGCCTCTCACATGGCAAACTTCTCACCCTTATATCCT-3'
Protein context (NP_055568.3, residues 227-247): YQNQEIHNLG[Arg237His]FITVMKFRPL